The following is an entry in ClinVar:

NM_000054.7(AVPR2):c.838dup (p.Tyr280fs)

Gene: AVPR2 (arginine vasopressin receptor 2; plus strand). Cytogenetic location: Xq28.
Variant type: Duplication.
Coding change: c.838dup on transcript NM_000054.7 (MANE Select); coding-DNA position 838, one base duplicated (T; older notation c.838dupT).
Protein change: p.Tyr280fs; shifts the reading frame from tyrosine 280.
Molecular consequence: frameshift variant. On other transcripts: non-coding transcript variant (1).
Genome position (GRCh38, 1-based): chrX:153,906,344, T duplicated. VCF-style (leftmost placement, unchanged base first): chrX-153906343-C-CT. GRCh37 (hg19) VCF-style: chrX-153171797-C-CT.
Other names: c.838dup, p.Tyr280fs (NM_001146151.3); short protein forms Y280fs.
Identifiers: ClinVar variation 35747 (VCV000035747.3), dbSNP rs193922121, ClinGen allele CA260172.

ClinVar aggregate classification (germline): Pathogenic (1 of 4 stars; one submission).

Conditions:
Nephrogenic diabetes insipidus. Identifiers: Orphanet 223, MedGen C0162283, MONDO:0016383, HP:0009806.

Submission:

Women's Health and Genetics/Laboratory Corporation of America, LabCorp
Classification: Pathogenic for Nephrogenic Diabetes Insipidus. Last evaluated: 2011-08-18. Review status: criteria provided, single submitter. Criteria: LabCorp Variant Classification Summary - May 2015. Collection method: curation, clinical testing. Allele origin: germline. Inheritance: Xlinked recessive. Affected: yes. Observed: 2 variant alleles.
ClinVar note: Converted during submission from pathogenic to Pathogenic.

Literature cited by the submitters: PubMed 10820168; PubMed 9773787; PubMed 18726898.